The following is an entry in ClinVar:

ClinVar aggregate classification (germline): Uncertain significance (1 of 4 stars; one submission).

Submission:

GeneDx
Classification: Uncertain significance. Last evaluated: 2024-04-19. Review status: criteria provided, single submitter. Criteria: GeneDx Variant Classification Process June 2021. Collection method: clinical testing. Allele origin: germline. Affected: yes.
Comment: Not observed at significant frequency in large population cohorts (gnomAD); In silico analysis indicates that this missense variant does not alter protein structure/function; Has not been previously published as pathogenic or benign to our knowledge.

NM_001371928.1(AHDC1):c.604C>A (p.Pro202Thr)

Gene: AHDC1 (AT-hook DNA binding motif containing 1; minus strand). Cytogenetic location: 1p36.11.
Variant type: single nucleotide variant.
Coding change: c.604C>A on transcript NM_001371928.1 (MANE Select); coding-DNA position 604, C replaced by A.
Protein change: p.Pro202Thr; replaces proline 202 with threonine.
Molecular consequence: missense variant.
Genome position (GRCh38, 1-based): chr1:27,551,512, G>T on the plus strand (C>A on the coding strand, the complement: AHDC1 is on the minus strand). VCF-style: chr1-27551512-G-T. GRCh37 (hg19) VCF-style: chr1-27878023-G-T.
Other names: c.604C>A, p.Pro202Thr (NM_001029882.3); short protein forms P202T.
Identifiers: ClinVar variation 3372673 (VCV003372673.1).